The following is an entry in ClinVar:

NM_015665.6(AAAS):c.464G>A (p.Arg155His)

Gene: AAAS (aladin WD repeat nucleoporin; minus strand). Cytogenetic location: 12q13.13.
Variant type: single nucleotide variant.
Coding change: c.464G>A on transcript NM_015665.6 (MANE Select); coding-DNA position 464, G replaced by A.
Protein change: p.Arg155His; replaces arginine 155 with histidine.
Molecular consequence: missense variant. On other transcripts: intron variant (1).
Genome position (GRCh38, 1-based): chr12:53,314,832, C>T on the plus strand (G>A on the coding strand, the complement: AAAS is on the minus strand). VCF-style: chr12-53314832-C-T. GRCh37 (hg19) VCF-style: chr12-53708616-C-T.
Other names: c.446+262G>A (NM_001173466.2); short protein forms R155H.
Identifiers: ClinVar variation 872168 (VCV000872168.60), dbSNP rs758440592, ClinGen allele CA6599181.

ClinVar aggregate classification (germline): Pathogenic/Likely pathogenic. Review status: criteria provided, multiple submitters, no conflicts (2 of 4 stars). 9 submissions from 9 submitters: Pathogenic (6); Likely pathogenic (2). 1 of the submissions does not count toward it. Last evaluated 2026-01-21.

Conditions:
Glucocorticoid deficiency with achalasia (AAAS). Also called: Achalasia-addisonianism-alacrimia syndrome; Alacrima-achalasia-addisonianism; ACTH-resistant adrenal insufficiency, achalasia and alacrima; Glucocorticoid deficiency and achalasia; Hypoadrenalism with achalasia; ALACRIMA-ACHALASIA-ADRENAL INSUFFICIENCY NEUROLOGIC DISORDER. Identifiers: Orphanet 869, MedGen C0271742, MONDO:0009279, OMIM 231550.

Allele frequency attached by ClinVar (database versions not stated): gnomAD 0.00001; ExAC 0.00002; gnomAD exomes 0.00002; TOPMed 0.00002.
gnomAD v4.1: 100 of 1,613,708 alleles (0.0062%); highest among the groups gnomAD compares: Non-Finnish European, 0.0082%; no homozygotes.

Submissions (9):

Labcorp Genetics (formerly Invitae), Labcorp
Classification: Pathogenic. Last evaluated: 2026-01-21. Review status: criteria provided, single submitter. Criteria: Invitae Variant Classification Sherloc (09022015). Collection method: clinical testing. Allele origin: germline.
Comment: This sequence change replaces arginine, which is basic and polar, with histidine, which is basic and polar, at codon 155 of the AAAS protein (p.Arg155His). This variant is present in population databases (rs758440592, gnomAD 0.004%). This missense change has been observed in individual(s) with achalasia-addisonianism-alacrimia syndrome (PMID: 12700313, 20674935, 31600784; internal data). In at least one individual the data is consistent with being in trans (on the opposite chromosome) from a pathogenic variant. ClinVar contains an entry for this variant (Variation ID: 872168). Invitae Evidence Modeling of protein sequence and biophysical properties (such as structural, functional, and spatial information, amino acid conservation, physicochemical variation, residue mobility, and thermodynamic stability) indicates that this missense variant is expected to disrupt AAAS protein function with a positive predictive value of 80%. Experimental studies have shown that this missense change affects AAAS function (PMID: 16609705). For these reasons, this variant has been classified as Pathogenic.

GeneDx
Classification: Pathogenic. Last evaluated: 2025-12-26. Review status: criteria provided, single submitter. Criteria: GeneDx Variant Classification Process June 2021. Collection method: clinical testing. Allele origin: germline. Affected: yes.
Comment: Published functional studies demonstrate a damaging effect: abnormal cellular localization to cytoplasm (PMID: 16609705, 31600784); In silico analysis supports that this missense variant has a deleterious effect on protein structure/function; This variant is associated with the following publications: (PMID: 37331934, 31600784, 20674935, 12700313, 27618595, 23861206, 16609705)

Variantyx, Inc.
Classification: Likely pathogenic for Glucocorticoid deficiency with achalasia. Last evaluated: 2025-05-14. Review status: criteria provided, single submitter. Criteria: Variantyx Assertion Criteria 2022. Collection method: clinical testing. Allele origin: germline. Inheritance: Autosomal recessive inheritance. Affected: no.
Comment: This is a nonsynonymous variant in the AAAS gene (OMIM: 605378). Pathogenic variants in this gene have been associated with autosomal recessive achalasia-addisonianism-alacrimia syndrome. This variant has been identified in the homozygous or compound heterozygous state in at least 3 individuals reported in the published literature (PMID: 12700313, 31600784, 20674935) (PM3). Functional studies have shown that this variant alters AAAS protein function (PMID: 31600784) (PS3_Moderate) and multiple computational algorithms predict a deleterious effect for this variant (REVEL score: 0.909) (PP3). This variant has a 0.0082% maximum allele frequency in non-founder control populations (PM2). Based on the current evidence, this variant is classified as likely pathogenic for autosomal recessive achalasia-addisonianism-alacrimia syndrome.

Victorian Clinical Genetics Services, Murdoch Childrens Research Institute
Classification: Pathogenic for Glucocorticoid deficiency with achalasia. Last evaluated: 2024-09-20. Review status: criteria provided, single submitter. Criteria: ACMG Guidelines, 2015. Collection method: clinical testing. Allele origin: germline. Inheritance: Autosomal recessive inheritance. Affected: yes.
Comment: Based on the classification scheme VCGS_Germline_v1.3.4, this variant is classified as Pathogenic. Following criteria are met: 0102 - Loss of function is a known mechanism of disease in this gene and is associated with achalasia-addisonianism-alacrimia syndrome (MIM#231550). (I) 0106 - This gene is associated with autosomal recessive disease. (I) 0200 - Variant is predicted to result in a missense amino acid change from arginine to histidine. (I) 0251 - This variant is heterozygous. (I) 0304 - Variant is present in gnomAD <0.01 for a recessive condition (v2: 5 heterozygotes, 0 homozygotes). (SP) 0309 - An alternative amino acid change at the same position has been observed in gnomAD (v2) (2 heterozygotes, 0 homozygotes). (I) 0501 - Missense variant consistently predicted to be damaging by multiple in silico tools or highly conserved with a major amino acid change. (SP) 0600 - Variant is located in the annotated WD40 domain (NCBI). (I) 0703 - Other missense variants comparable to the one identified in this case have moderate previous evidence for pathogenicity. Two alternative amino acid changes at the same codon, p.(Arg155Cys) and p.(Arg155Pro), have been reported in at least three patients with Allgrove syndrome (ClinVar, PMIDs: 29383495, 15690314). (SP) 0801 - This variant has strong previous evidence of pathogenicity in unrelated individuals. This variant has been reported in at least nine individuals, both in homozygous and compound heterozygous states, with AAAS-related features (ClinVar, PMIDs: 31600784, 12700313, 20674935, 27618595). (SP) 1002 - This variant has moderate functional evidence supporting abnormal protein function. RT-PCR and western blot studies showed down-regulation of the AAAS-1 transcript in patient tissues homozygous for this variant. Furthermore, protein expression was significantly reduced in patient frontal motor cortex, cerebellum and spinal cord tissues. Protein distribution showed abnormal cellular localisation with increased cytoplasmic localisation in patient fibroblasts (PMID: 31600784). (SP) 1208 - Inheritance information for this variant is not currently available in this individual. (I) Legend: (SP) - Supporting pathogenic, (I) - Information, (SB) - Supporting benign

Fulgent Genetics
Classification: Pathogenic for Glucocorticoid deficiency with achalasia. Last evaluated: 2024-05-23. Review status: criteria provided, single submitter. Criteria: ACMG Guidelines, 2015. Collection method: clinical testing. Allele origin: germline.

Women's Health and Genetics/Laboratory Corporation of America, LabCorp
Classification: Pathogenic for Glucocorticoid deficiency with achalasia. Last evaluated: 2023-07-21. Review status: criteria provided, single submitter. Criteria: LabCorp Variant Classification Summary - May 2015. Collection method: clinical testing. Allele origin: germline.
Comment: Variant summary: AAAS c.464G>A (p.Arg155His) results in a non-conservative amino acid change located in the WD repeat region of the encoded protein sequence. Five of five in-silico tools predict a damaging effect of the variant on protein function. The variant allele was found at a frequency of 2e-05 in 250310 control chromosomes (gnomAD). c.464G>A has been reported in the literature in multiple individuals affected achalasia-addisonianism-alacrimia syndrome (examples: Kimber_2003, Krumbholz_2006, Nakamura_2010, and Bitetto_2019). These data indicate that the variant is very likely to be associated with disease. The following publications have been ascertained in the context of this evaluation (PMID: 31600784, 12700313, 16609705, 20674935). Five submitters have cited clinical-significance assessments for this variant to ClinVar after 2014. All submitters classified the variant as pathogenic/likely pathogenic. Based on the evidence outlined above, the variant was classified as pathogenic.

CeGaT Center for Human Genetics Tuebingen
Classification: Pathogenic. Last evaluated: 2018-10-01. Review status: criteria provided, single submitter. Criteria: CeGaT Center For Human Genetics Tuebingen Variant Classification Criteria Version 2. Collection method: clinical testing. Allele origin: germline. Affected: yes. Observed: 1 variant allele.

Genetic Services Laboratory, University of Chicago
Classification: Likely pathogenic. Last evaluated: 2017-11-27. Review status: criteria provided, single submitter. Criteria: ACMG Guidelines, 2015. Collection method: clinical testing. Allele origin: germline. Affected: yes.

OMIM
Classification: Pathogenic for ACHALASIA-ADDISONIANISM-ALACRIMA SYNDROME. Last evaluated: 2021-09-23. Review status: no assertion criteria provided. Collection method: literature only. Allele origin: germline. Not counted in ClinVar's aggregate classification.

Literature cited by the submitters: PubMed 12700313 (cited by 4 submitters); PubMed 20674935 (cited by 4 submitters); PubMed 31600784 (cited by 5 submitters); PubMed 16609705 (cited by Labcorp Genetics (formerly Invitae), Labcorp and Women's Health and Genetics/Laboratory Corporation of America, LabCorp); PubMed 15690314 (cited by Victorian Clinical Genetics Services, Murdoch Childrens Research Institute); PubMed 27618595 (cited by Victorian Clinical Genetics Services, Murdoch Childrens Research Institute); PubMed 29383495 (cited by Victorian Clinical Genetics Services, Murdoch Childrens Research Institute).